The following is an entry in ClinVar:

NM_024514.5(CYP2R1):c.59T>C (p.Leu20Pro)

Genes: CYP2R1 (cytochrome P450 family 2 subfamily R member 1; minus strand), PDE3B (phosphodiesterase 3B; plus strand). Cytogenetic location: 11p15.2.
Variant type: single nucleotide variant.
Coding change: c.59T>C on transcript NM_024514.5 (MANE Select); coding-DNA position 59, T replaced by C.
Protein change: p.Leu20Pro; replaces leucine 20 with proline.
Molecular consequence: missense variant. On other transcripts: intron variant (3).
Genome position (GRCh38, 1-based): chr11:14,892,147, A>G on the plus strand (T>C on the coding strand, the complement: CYP2R1 is on the minus strand). VCF-style: chr11-14892147-A-G. GRCh37 (hg19) VCF-style: chr11-14913693-A-G.
Other names: c.2887-6798A>G (NM_001429700.1); c.2887-6809A>G (NM_001429699.1); c.-121+218T>C (NM_001400558.1); short protein forms L20P.
Identifiers: ClinVar variation 3912036 (VCV003912036.2).

ClinVar aggregate classification (germline): Uncertain significance (1 of 4 stars; one submission).

gnomAD v4.1: 10 of 1,611,144 alleles (0.00062%); highest among the groups gnomAD compares: Non-Finnish European, 0.00085%; no homozygotes.

Submission:

Women's Health and Genetics/Laboratory Corporation of America, LabCorp
Classification: Uncertain significance. Last evaluated: 2025-07-01. Review status: criteria provided, single submitter. Criteria: LabCorp Variant Classification Summary - May 2015. Collection method: clinical testing. Allele origin: germline.
Comment: Variant summary: CYP2R1 c.59T>C (p.Leu20Pro) results in a non-conservative amino acid change in the encoded protein sequence. Algorithms developed to predict the effect of missense changes on protein structure and function are either unavailable or do not agree on the potential impact of this missense change. The variant was absent in 237156 control chromosomes. The available data on variant occurrences in the general population are insufficient to allow any conclusion about variant significance. To our knowledge, no occurrence of c.59T>C in individuals affected with Vitamin D Hydroxylation-Deficient Rickets, Type 1B and no experimental evidence demonstrating its impact on protein function have been reported. No submitters have cited clinical-significance assessments for this variant to ClinVar. Based on the evidence outlined above, the variant was classified as uncertain significance.